The following is an entry in ClinVar:

ClinVar aggregate classification (germline): Conflicting classifications of pathogenicity. Review status: criteria provided, conflicting classifications (1 of 4 stars). 16 submissions from 12 submitters: Uncertain significance (10); Benign (2); Likely benign (2). 2 of the submissions do not count toward it. Last evaluated 2025-10-08.

Conditions:
Cardiovascular phenotype. Identifiers: MedGen CN230736.
Early-onset myopathy with fatal cardiomyopathy (CMYO5). Also called: Salih Myopathy; CONGENITAL MYOPATHY 5 WITH CARDIOMYOPATHY. Identifiers: Orphanet 289377, MedGen C2673677, MONDO:0012714, OMIM 611705. Disease mechanism: loss of function.
Autosomal recessive limb-girdle muscular dystrophy type 2J (LGMDR10). Also called: Limb-girdle muscular dystrophy, type 2J; MUSCULAR DYSTROPHY, LIMB-GIRDLE, AUTOSOMAL RECESSIVE 10. Identifiers: Orphanet 140922, MedGen C1837342, MONDO:0012127, OMIM 608807.
Myopathy, myofibrillar, 9, with early respiratory failure (MFM9). Also called: EDSTROM MYOPATHY; MYOPATHY, PROXIMAL, WITH EARLY RESPIRATORY MUSCLE INVOLVEMENT; Myopathy, distal, with early respiratory failure, autosomal dominant; Hereditary myopathy with early respiratory failure. Identifiers: Orphanet 178464, Orphanet 34521, MedGen C1863599, MONDO:0011362, OMIM 603689.
Dilated cardiomyopathy 1G (CMD1G). Identifiers: Orphanet 154, MedGen C1858763, MONDO:0011400, OMIM 604145.
Tibial muscular dystrophy (TMD). Also called: Tibial muscular dystrophy, tardive; UDD MYOPATHY; Udd Distal Myopathy – Tibial Muscular Dystrophy. Identifiers: Orphanet 609, MedGen C1838244, MONDO:0010870, OMIM 600334.
Hypertrophic cardiomyopathy 9. Also called: Familial hypertrophic cardiomyopathy 9. Identifiers: MedGen C1861065, MONDO:0013412, OMIM 613765.

Allele frequency attached by ClinVar (database versions not stated): ExAC 0.00015; gnomAD exomes 0.00015; gnomAD 0.00017 and 0.00018; TOPMed 0.00019; ESP Exome Variant Server 0.00024.
gnomAD v4.1: 393 of 1,613,436 alleles (0.024%); highest among the groups gnomAD compares: Non-Finnish European, 0.032%; no homozygotes.

Submissions (16):

Athena Diagnostics
Classification: Uncertain significance. Last evaluated: 2025-10-08. Review status: criteria provided, single submitter. Criteria: Athena Diagnostics Criteria. Collection method: clinical testing. Allele origin: unknown.
Comment: Available data are insufficient to determine the clinical significance of the variant at this time. The frequency of this variant in the general population is uninformative in assessment of its pathogenicity. Polyphen and MutationTaster predict this amino acid change may be benign.

CeGaT Center for Human Genetics Tuebingen
Classification: Uncertain significance. Last evaluated: 2025-09-01. Review status: criteria provided, single submitter. Criteria: CeGaT Center For Human Genetics Tuebingen Variant Classification Criteria Version 2. Collection method: clinical testing. Allele origin: germline. Affected: yes. Observed: 1 variant allele.

Molecular Diagnostic Laboratory for Inherited Cardiovascular Disease, Montreal Heart Institute
Classification: Likely benign. Last evaluated: 2025-04-09. Review status: criteria provided, single submitter. Criteria: ACMG Guidelines, 2015. Collection method: clinical testing. Allele origin: germline. Affected: no.

Revvity Omics, Revvity
Classification: Uncertain significance. Last evaluated: 2023-12-21. Review status: criteria provided, single submitter. Criteria: ACMG Guidelines, 2015. Collection method: clinical testing. Allele origin: germline.

Women's Health and Genetics/Laboratory Corporation of America, LabCorp
Classification: Uncertain significance. Last evaluated: 2023-06-23. Review status: criteria provided, single submitter. Criteria: LabCorp Variant Classification Summary - May 2015. Collection method: clinical testing. Allele origin: germline.
Comment: Variant summary: TTN c.50693G>C (p.Gly16898Ala) results in a non-conservative amino acid change located in the A-band region of the encoded protein sequence. Five of five in-silico tools predict a damaging effect of the variant on protein function. The variant allele was found at a frequency of 0.00015 (i.e., 38 heterozygotes) in 248508 control chromosomes, predominantly at a frequency of 0.0003 within the Non-Finnish European subpopulation in the gnomAD database. This frequency is not significantly higher than estimated for a pathogenic variant in TTN causing Cardiomyopathy (0.0003 vs 0.00063), allowing no conclusion about variant significance. c.50693G>C has been reported in the literature in individuals affected with hypertrophic cardiomyopathy (e.g., Lopes_2013, Campuzano_2015, Mademont-Soler_2017, vanLint_2019, Martinez-Barrios) and at least one individual with suspected Brugada syndrome (e.g., Scumaci_2018), however without strong evidence for causality in all cases (e.g., lack of co-segregation and co-occurrence data). These reports therefore do not provide unequivocal conclusions about association of the variant with Cardiomyopathy. A co-occurrence with another pathogenic variant was reported (MYBPC3 c.2373_2374insG, p.W792VfsX41; Lopes_2013), providing supporting evidence for a benign role. To our knowledge, no experimental evidence demonstrating an impact on protein function has been reported. The following publications have been ascertained in the context of this evaluation (PMID: 26516846, 23396983, 28771489, 35207729, 29956481, 30847666). Six submitters have reported clinical-significance assessments for this variant to ClinVar after 2014 with conflicting assessments (VUS, n = 4; likely benign, n = 1; benign, n = 1). Based on the evidence outlined above, the variant was classified as uncertain significance.

GeneDx
Classification: Likely benign. Last evaluated: 2021-02-26. Review status: criteria provided, single submitter. Criteria: GeneDx Variant Classification Process June 2021. Collection method: clinical testing. Allele origin: germline. Affected: yes.
Comment: This variant is associated with the following publications: (PMID: 30847666, 23396983)

Ambry Genetics
Classification: Uncertain significance for Cardiovascular phenotype. Last evaluated: 2019-01-09. Review status: criteria provided, single submitter. Criteria: Ambry Variant Classification Scheme 2023. Collection method: clinical testing. Allele origin: germline.
Comment: The p.G10401A variant (also known as c.31202G>C), located in coding exon 124 of the TTN gene, results from a G to C substitution at nucleotide position 31202. The glycine at codon 10401 is replaced by alanine, an amino acid with similar properties. This amino acid position is highly conserved in available vertebrate species. In addition, the in silico prediction for this alteration is inconclusive. Since supporting evidence is limited at this time, the clinical significance of this alteration remains unclear.

Fulgent Genetics
Classification: Uncertain significance for Tibial muscular dystrophy; Myopathy, myofibrillar, 9, with early respiratory failure; Dilated cardiomyopathy 1G; Autosomal recessive limb-girdle muscular dystrophy type 2J; Early-onset myopathy with fatal cardiomyopathy; Hypertrophic cardiomyopathy 9. Last evaluated: 2018-10-31. Review status: criteria provided, single submitter. Criteria: ACMG Guidelines, 2015. Collection method: clinical testing. Allele origin: unknown.

Eurofins Ntd Llc (ga)
Classification: Uncertain significance. Last evaluated: 2018-05-17. Review status: criteria provided, single submitter. Criteria: EGL ClinVar v180209 classification definitions. Collection method: clinical testing. Allele origin: germline. Observed: 2 variant alleles, 2 heterozygotes.

Illumina Laboratory Services, Illumina
Classification: Uncertain significance for Early-onset myopathy with fatal cardiomyopathy. Last evaluated: 2018-01-12. Review status: criteria provided, single submitter. Criteria: ICSL Variant Classification Criteria 13 December 2019. Collection method: clinical testing. Allele origin: germline.

Illumina Laboratory Services, Illumina
Classification: Uncertain significance for Autosomal recessive limb-girdle muscular dystrophy type 2J. Last evaluated: 2018-01-12. Review status: criteria provided, single submitter. Criteria: ICSL Variant Classification Criteria 13 December 2019. Collection method: clinical testing. Allele origin: germline.

Illumina Laboratory Services, Illumina
Classification: Benign for Myopathy, myofibrillar, 9, with early respiratory failure. Last evaluated: 2018-01-12. Review status: criteria provided, single submitter. Criteria: ICSL Variant Classification Criteria 13 December 2019. Collection method: clinical testing. Allele origin: germline.
Comment: This variant was observed in the ICSL laboratory as part of a predisposition screen in an ostensibly healthy population. It had not been previously curated by ICSL or reported in the Human Gene Mutation Database (HGMD: prior to June 1st, 2018), and was therefore a candidate for classification through an automated scoring system. Utilizing variant allele frequency, disease prevalence and penetrance estimates, and inheritance mode, an automated score was calculated to assess if this variant is too frequent to cause the disease. Based on the score and internal cut-off values, a variant classified as benign is not then subjected to further curation. The score for this variant resulted in a classification of benign for this disease.

Illumina Laboratory Services, Illumina
Classification: Uncertain significance for Dilated cardiomyopathy 1G. Last evaluated: 2018-01-12. Review status: criteria provided, single submitter. Criteria: ICSL Variant Classification Criteria 13 December 2019. Collection method: clinical testing. Allele origin: germline.

Illumina Laboratory Services, Illumina
Classification: Benign for Tibial muscular dystrophy. Last evaluated: 2018-01-12. Review status: criteria provided, single submitter. Criteria: ICSL Variant Classification Criteria 13 December 2019. Collection method: clinical testing. Allele origin: germline.
Comment: the same text as in the submission from Illumina Laboratory Services, Illumina above.

Clinical Genetics DNA and cytogenetics Diagnostics Lab, Erasmus MC, Erasmus Medical Center
Classification: Uncertain significance. Review status: no assertion criteria provided. Collection method: clinical testing. Allele origin: germline. Affected: yes. Study: VKGL Data-share Consensus. Not counted in ClinVar's aggregate classification.

Diagnostic Laboratory, Department of Genetics, University Medical Center Groningen
Classification: Uncertain significance. Review status: no assertion criteria provided. Collection method: clinical testing. Allele origin: germline. Affected: yes. Study: VKGL Data-share Consensus. Not counted in ClinVar's aggregate classification.

Literature cited by the submitters: PubMed 35207729 (cited by Athena Diagnostics and Women's Health and Genetics/Laboratory Corporation of America, LabCorp); PubMed 29956481 (cited by Athena Diagnostics and Women's Health and Genetics/Laboratory Corporation of America, LabCorp); PubMed 37904629 (cited by Athena Diagnostics); PubMed 28771489 (cited by Athena Diagnostics and Women's Health and Genetics/Laboratory Corporation of America, LabCorp); PubMed 26516846 (cited by Athena Diagnostics and Women's Health and Genetics/Laboratory Corporation of America, LabCorp); PubMed 30847666 (cited by Athena Diagnostics and Women's Health and Genetics/Laboratory Corporation of America, LabCorp); PubMed 33432171 (cited by Athena Diagnostics); PubMed 23396983 (cited by Women's Health and Genetics/Laboratory Corporation of America, LabCorp).

NM_001267550.2(TTN):c.58397G>C (p.Gly19466Ala)

Genes: TTN (titin; minus strand), TTN-AS1 (TTN antisense RNA 1; plus strand). Cytogenetic location: 2q31.2.
Variant type: single nucleotide variant.
Coding change: c.58397G>C on transcript NM_001267550.2 (MANE Select); coding-DNA position 58397, G replaced by C.
Protein change: p.Gly19466Ala; replaces glycine 19466 with alanine.
Molecular consequence: missense variant.
Genome position (GRCh38, 1-based): chr2:178,593,996, C>G on the plus strand (G>C on the coding strand, the complement: TTN is on the minus strand). VCF-style: chr2-178593996-C-G. GRCh37 (hg19) VCF-style: chr2-179458723-C-G.
Other names: p.G17825A:GGC>GCC; c.53474G>C, p.Gly17825Ala (NM_001256850.1); c.31202G>C, p.Gly10401Ala (NM_003319.4); c.50693G>C, p.Gly16898Ala (NM_133378.4); c.31577G>C, p.Gly10526Ala (NM_133432.3); c.31778G>C, p.Gly10593Ala (NM_133437.4); c.58397G>C (NM_001267550.1); short protein forms G17825A, G19466A, G16898A, G10526A, G10401A, G10593A.
Identifiers: ClinVar variation 202735 (VCV000202735.30), dbSNP rs201922910, ClinGen allele CA310125.